The following is an entry in ClinVar:

ClinVar aggregate classification (germline): Conflicting classifications of pathogenicity. Review status: criteria provided, conflicting classifications (1 of 4 stars). 4 submissions from 4 submitters: Uncertain significance (3); Likely benign (1). Last evaluated 2025-04-11.

Allele frequency attached by ClinVar (database versions not stated): ExAC 0.00006; ESP Exome Variant Server 0.00008; TOPMed 0.00012; gnomAD 0.00015; gnomAD exomes 0.00023.
gnomAD v4.1: 355 of 1,613,830 alleles (0.022%); highest among the groups gnomAD compares: Non-Finnish European, 0.028%; 1 homozygote.

Submissions (4):

Athena Diagnostics
Classification: Likely benign. Last evaluated: 2025-04-11. Review status: criteria provided, single submitter. Criteria: Athena Diagnostics Criteria. Collection method: clinical testing. Allele origin: unknown.
Comment: The frequency of this variant in the general population is higher than would generally be expected for pathogenic variants in this gene. Computational tools predict this amino acid change may be benign.

Women's Health and Genetics/Laboratory Corporation of America, LabCorp
Classification: Uncertain significance. Last evaluated: 2024-05-31. Review status: criteria provided, single submitter. Criteria: LabCorp Variant Classification Summary - May 2015. Collection method: clinical testing. Allele origin: germline.
Comment: Variant summary: EEF2 c.1453A>G (p.Ile485Val) results in a conservative amino acid change in the encoded protein sequence. Four of five in-silico tools predict a benign effect of the variant on protein function. The variant allele was found at a frequency of 8.8e-05 in 250992 control chromosomes. This frequency is not significantly higher than estimated for a pathogenic variant in EEF2 causing Spinocerebellar Ataxia Type 26, allowing no conclusion about variant significance. To our knowledge, no occurrence of c.1453A>G in individuals affected with Spinocerebellar Ataxia Type 26 and no experimental evidence demonstrating its impact on protein function have been reported. ClinVar contains an entry for this variant (Variation ID: 2273439). Based on the evidence outlined above, the variant was classified as uncertain significance.

Labcorp Genetics (formerly Invitae), Labcorp
Classification: Uncertain significance. Last evaluated: 2023-05-19. Review status: criteria provided, single submitter. Criteria: Invitae Variant Classification Sherloc (09022015). Collection method: clinical testing. Allele origin: germline.
Comment: This sequence change replaces isoleucine, which is neutral and non-polar, with valine, which is neutral and non-polar, at codon 485 of the EEF2 protein (p.Ile485Val). This variant is present in population databases (rs200110903, gnomAD 0.02%). This variant has not been reported in the literature in individuals affected with EEF2-related conditions. ClinVar contains an entry for this variant (Variation ID: 2273439). In summary, the available evidence is currently insufficient to determine the role of this variant in disease. Therefore, it has been classified as a Variant of Uncertain Significance. Advanced modeling of protein sequence and biophysical properties (such as structural, functional, and spatial information, amino acid conservation, physicochemical variation, residue mobility, and thermodynamic stability) performed at Invitae indicates that this missense variant is not expected to disrupt EEF2 protein function.

Ambry Genetics
Classification: Uncertain significance. Last evaluated: 2021-08-12. Review status: criteria provided, single submitter. Criteria: Ambry Variant Classification Scheme 2023. Collection method: clinical testing. Allele origin: germline.

NM_001961.4(EEF2):c.1453A>G (p.Ile485Val)

Gene: EEF2 (eukaryotic translation elongation factor 2; minus strand). Cytogenetic location: 19p13.3.
Variant type: single nucleotide variant.
Coding change: c.1453A>G on transcript NM_001961.4 (MANE Select); coding-DNA position 1453, A replaced by G.
Protein change: p.Ile485Val; replaces isoleucine 485 with valine.
Molecular consequence: missense variant.
Genome position (GRCh38, 1-based): chr19:3,979,960, T>C on the plus strand (A>G on the coding strand, the complement: EEF2 is on the minus strand). VCF-style: chr19-3979960-T-C. GRCh37 (hg19) VCF-style: chr19-3979958-T-C.
Other names: short protein forms I485V.
Identifiers: ClinVar variation 2273439 (VCV002273439.7), dbSNP rs200110903, ClinGen allele CA9088876.